The following is an entry in ClinVar:

NM_139242.4(MTFMT):c.893-253A>G

Gene: MTFMT (mitochondrial methionyl-tRNA formyltransferase; minus strand). Cytogenetic location: 15q22.31.
Variant type: single nucleotide variant.
Coding change: c.893-253A>G on transcript NM_139242.4 (MANE Select); 253 bases into the intron before coding-DNA position 893, A replaced by G.
Molecular consequence: intron variant.
Genome position (GRCh38, 1-based): chr15:65,005,189, T>C on the plus strand (A>G on the coding strand, the complement: MTFMT is on the minus strand). VCF-style: chr15-65005189-T-C. GRCh37 (hg19) VCF-style: chr15-65297527-T-C.
Identifiers: ClinVar variation 673116 (VCV000673116.1), dbSNP rs72744626, ClinGen allele CA271490644.

ClinVar aggregate classification (germline): Likely benign (1 of 4 stars; one submission).

Allele frequency attached by ClinVar (database versions not stated): TOPMed 0.02370; gnomAD 0.02447 and 0.02774; 1000 Genomes Project 30x 0.04497; 1000 Genomes Project 0.04712.
gnomAD v4.1: 4,237 of 152,304 alleles (2.8%); highest among the groups gnomAD compares: South Asian, 13%; 108 homozygotes.

Submission:

GeneDx
Classification: Likely benign. Last evaluated: 2018-06-14. Review status: criteria provided, single submitter. Criteria: GeneDx Variant Classification (06012015). Collection method: clinical testing. Allele origin: germline. Affected: yes.
Comment: This variant is considered likely benign or benign based on one or more of the following criteria: it is a conservative change, it occurs at a poorly conserved position in the protein, it is predicted to be benign by multiple in silico algorithms, and/or has population frequency not consistent with disease.